The following is an entry in ClinVar:

ClinVar aggregate classification (germline): Uncertain significance (1 of 4 stars; one submission).

Allele frequency attached by ClinVar (database versions not stated): TOPMed below 0.00001; gnomAD 0.00001; ExAC 0.00002.

Submission:

Labcorp Genetics (formerly Invitae), Labcorp
Classification: Uncertain significance. Last evaluated: 2024-10-28. Review status: criteria provided, single submitter. Criteria: Invitae Variant Classification Sherloc (09022015). Collection method: clinical testing. Allele origin: germline.
Comment: This sequence change replaces asparagine, which is neutral and polar, with lysine, which is basic and polar, at codon 443 of the WDR1 protein (p.Asn443Lys). This variant is present in population databases (rs764900415, gnomAD 0.01%). This variant has not been reported in the literature in individuals affected with WDR1-related conditions. ClinVar contains an entry for this variant (Variation ID: 1433989). An algorithm developed to predict the effect of missense changes on protein structure and function (PolyPhen-2) suggests that this variant is likely to be tolerated. In summary, the available evidence is currently insufficient to determine the role of this variant in disease. Therefore, it has been classified as a Variant of Uncertain Significance.

NM_017491.5(WDR1):c.1329C>A (p.Asn443Lys)

Gene: WDR1 (WD repeat domain 1; minus strand). Cytogenetic location: 4p16.1.
Variant type: single nucleotide variant.
Coding change: c.1329C>A on transcript NM_017491.5 (MANE Select); coding-DNA position 1329, C replaced by A.
Protein change: p.Asn443Lys; replaces asparagine 443 with lysine.
Molecular consequence: missense variant.
Genome position (GRCh38, 1-based): chr4:10,078,957, G>T on the plus strand (C>A on the coding strand, the complement: WDR1 is on the minus strand). VCF-style: chr4-10078957-G-T. GRCh37 (hg19) VCF-style: chr4-10080581-G-T.
Other names: c.909C>A, p.Asn303Lys (NM_005112.5); short protein forms N303K, N443K.
Identifiers: ClinVar variation 1433989 (VCV001433989.8), dbSNP rs764900415, ClinGen allele CA2857615.
Genomic context (GRCh38, chr4:10,078,957, plus strand): 5'-CCCAATTGCCACCGTGTCCCCGCCGGGGTGCACTGCCACAACTTCGGGCTCGTAGCCGGG[G>T]TTGTCGATGCTGAAGCACTTCCTCTGATCCTTCAGCAGGACAATCTGTGGCACACACAGG-3'
Protein context (NP_059830.1, residues 433-453): KDQRKCFSID[Asn443Lys]PGYEPEVVAV